The following is an entry in ClinVar:

ClinVar aggregate classification (germline): Uncertain significance (1 of 4 stars; one submission).

Submission:

Labcorp Genetics (formerly Invitae), Labcorp
Classification: Uncertain significance. Last evaluated: 2025-08-31. Review status: criteria provided, single submitter. Criteria: Invitae Variant Classification Sherloc (09022015). Collection method: clinical testing. Allele origin: germline.
Comment: This sequence change replaces glycine, which is neutral and non-polar, with arginine, which is basic and polar, at codon 298 of the PAFAH1B1 protein (p.Gly298Arg). This variant is not present in population databases (gnomAD no frequency). This variant has not been reported in the literature in individuals affected with PAFAH1B1-related conditions. ClinVar contains an entry for this variant (Variation ID: 2116340). An algorithm developed to predict the effect of missense changes on protein structure and function (PolyPhen-2) suggests that this variant is likely to be tolerated. In summary, the available evidence is currently insufficient to determine the role of this variant in disease. Therefore, it has been classified as a Variant of Uncertain Significance.

NM_000430.4(PAFAH1B1):c.892G>C (p.Gly298Arg)

Gene: PAFAH1B1 (platelet activating factor acetylhydrolase 1b regulatory subunit 1; plus strand). Cytogenetic location: 17p13.3.
Variant type: single nucleotide variant.
Coding change: c.892G>C on transcript NM_000430.4 (MANE Select); coding-DNA position 892, G replaced by C.
Protein change: p.Gly298Arg; replaces glycine 298 with arginine.
Molecular consequence: missense variant.
Genome position (GRCh38, 1-based): chr17:2,674,280, G>C. VCF-style: chr17-2674280-G-C. GRCh37 (hg19) VCF-style: chr17-2577574-G-C.
Other names: short protein forms G298R.
Identifiers: ClinVar variation 2116340 (VCV002116340.4), dbSNP rs1210438471, ClinGen allele CA397642090.